The following is an entry in ClinVar:

NM_006164.5(NFE2L2):c.796T>A (p.Leu266Met)

Gene: NFE2L2 (NFE2 like bZIP transcription factor 2; minus strand). Cytogenetic location: 2q31.2.
Variant type: single nucleotide variant.
Coding change: c.796T>A on transcript NM_006164.5 (MANE Select); coding-DNA position 796, T replaced by A.
Protein change: p.Leu266Met; replaces leucine 266 with methionine.
Molecular consequence: missense variant.
Genome position (GRCh38, 1-based): chr2:177,231,807, A>T on the plus strand (T>A on the coding strand, the complement: NFE2L2 is on the minus strand). VCF-style: chr2-177231807-A-T. GRCh37 (hg19) VCF-style: chr2-178096535-A-T.
Other names: c.748T>A, p.Leu250Met (NM_001145412.3, NM_001313900.1, NM_001313901.1); c.727T>A, p.Leu243Met (NM_001145413.3); c.706T>A, p.Leu236Met (NM_001313902.2); c.577T>A, p.Leu193Met (NM_001313903.2); c.496T>A, p.Leu166Met (NM_001313904.1); short protein forms L193M, L236M, L266M, L166M, L243M, L250M.
Identifiers: ClinVar variation 3002234 (VCV003002234.3), dbSNP rs575653117, ClinGen allele CA349373608.
Genomic context (GRCh38, chr2:177,231,807, plus strand): 5'-AAAATTCATCACCAAAATCTGTGTTGACTGTGGCATCTGAATTTAATGAGTTCACTGTCA[A>T]CTGGTTGGGGTCTTCTGTGGAGAGGATGCTGCTGAAGGAATCCTCAAAAGCATTAAGAAA-3'
Protein context (NP_006155.2, residues 256-276): SILSTEDPNQ[Leu266Met]TVNSLNSDAT

ClinVar aggregate classification (germline): Uncertain significance (1 of 4 stars; one submission).

gnomAD v4.1: 1 of 1,614,220 alleles (0.000062%); highest among the groups gnomAD compares: Non-Finnish European, 0.000085%; no homozygotes.

Submission:

Labcorp Genetics (formerly Invitae), Labcorp
Classification: Uncertain significance. Last evaluated: 2025-09-15. Review status: criteria provided, single submitter. Criteria: Invitae Variant Classification Sherloc (09022015). Collection method: clinical testing. Allele origin: germline.
Comment: This sequence change replaces leucine, which is neutral and non-polar, with methionine, which is neutral and non-polar, at codon 266 of the NFE2L2 protein (p.Leu266Met). This variant is present in population databases (no rsID available, gnomAD 0.0009%). This variant has not been reported in the literature in individuals affected with NFE2L2-related conditions. ClinVar contains an entry for this variant (Variation ID: 3002234). Invitae Evidence Modeling of protein sequence and biophysical properties (such as structural, functional, and spatial information, amino acid conservation, physicochemical variation, residue mobility, and thermodynamic stability) indicates that this missense variant is not expected to disrupt NFE2L2 protein function with a negative predictive value of 80%. In summary, the available evidence is currently insufficient to determine the role of this variant in disease. Therefore, it has been classified as a Variant of Uncertain Significance.